The following is an entry in ClinVar:

ClinVar aggregate classification (germline): Likely benign. Review status: criteria provided, multiple submitters, no conflicts (2 of 4 stars). 2 submissions from 2 submitters: Likely benign (2). Last evaluated 2025-07-28.

Conditions:
Familial thoracic aortic aneurysm and aortic dissection (TAAD). Also called: Thoracic aortic aneurysms and dissections. Identifiers: Orphanet 91387, MedGen C4707243, MONDO:0019625.

Allele frequency attached by ClinVar (database versions not stated): TOPMed below 0.00001; gnomAD 0.00001.
gnomAD v4.1: 1 of 1,606,584 alleles (0.000062%); highest among the groups gnomAD compares: Non-Finnish European, 0.000085%; no homozygotes.

Submissions (2):

Color Diagnostics, LLC DBA Color Health
Classification: Likely benign for Familial thoracic aortic aneurysm and aortic dissection. Last evaluated: 2025-07-28. Review status: criteria provided, single submitter. Criteria: ACMG Guidelines, 2015. Collection method: clinical testing. Allele origin: germline.

GeneDx
Classification: Likely benign. Last evaluated: 2017-08-08. Review status: criteria provided, single submitter. Criteria: GeneDx Variant Classification (06012015). Collection method: clinical testing. Allele origin: germline. Affected: yes.
Comment: This variant is considered likely benign or benign based on one or more of the following criteria: it is a conservative change, it occurs at a poorly conserved position in the protein, it is predicted to be benign by multiple in silico algorithms, and/or has population frequency not consistent with disease.

NM_000138.5(FBN1):c.4748-7T>C

Gene: FBN1 (fibrillin 1; minus strand). Cytogenetic location: 15q21.1.
Variant type: single nucleotide variant.
Coding change: c.4748-7T>C on transcript NM_000138.5 (MANE Select); 7 bases into the intron before coding-DNA position 4748, T replaced by C.
Molecular consequence: intron variant.
Genome position (GRCh38, 1-based): chr15:48,465,865, A>G on the plus strand (T>C on the coding strand, the complement: FBN1 is on the minus strand). VCF-style: chr15-48465865-A-G. GRCh37 (hg19) VCF-style: chr15-48758062-A-G.
Identifiers: ClinVar variation 511208 (VCV000511208.2), dbSNP rs1555397026, ClinGen allele CA658798338.